The following is an entry in ClinVar:

NM_001077365.2(POMT1):c.1763A>G (p.Tyr588Cys)

Gene: POMT1 (protein O-mannosyltransferase 1; plus strand). Cytogenetic location: 9q34.13.
Variant type: single nucleotide variant.
Coding change: c.1763A>G on transcript NM_001077365.2 (MANE Select); coding-DNA position 1763, A replaced by G.
Protein change: p.Tyr588Cys; replaces tyrosine 588 with cysteine.
Molecular consequence: missense variant. On other transcripts: non-coding transcript variant (10).
Genome position (GRCh38, 1-based): chr9:131,521,410, A>G. VCF-style: chr9-131521410-A-G. GRCh37 (hg19) VCF-style: chr9-134396797-A-G.
Other names: c.1601A>G, p.Tyr534Cys (NM_001077366.2, NM_001353194.2); c.1763A>G, p.Tyr588Cys (NM_001136113.2); c.1412A>G, p.Tyr471Cys (NM_001136114.2, NM_001353195.2, NM_001374691.1 and 2 more transcripts); c.1829A>G, p.Tyr610Cys (NM_001353193.2, NM_007171.4); c.1673A>G, p.Tyr558Cys (NM_001353196.2); c.1667A>G, p.Tyr556Cys (NM_001353197.2, NM_001353198.2); c.1478A>G, p.Tyr493Cys (NM_001353199.2); c.1307A>G, p.Tyr436Cys (NM_001353200.2); and 3 more; short protein forms Y610C, Y471C, Y493C, Y588C, Y534C, Y556C, Y436C, Y558C.
Identifiers: ClinVar variation 538724 (VCV000538724.7), dbSNP rs772131719, ClinGen allele CA5293814.

ClinVar aggregate classification (germline): Uncertain significance. Review status: criteria provided, multiple submitters, no conflicts (2 of 4 stars). 2 submissions from 2 submitters: Uncertain significance (2). Last evaluated 2024-09-05.

Conditions:
Autosomal recessive limb-girdle muscular dystrophy type 2K. Also called: MUSCULAR DYSTROPHY-DYSTROGLYCANOPATHY (LIMB-GIRDLE), TYPE C, 1; MUSCULAR DYSTROPHY, LIMB-GIRDLE, TYPE 2K. Identifiers: Orphanet 86812, MedGen C1836373, MONDO:0012248, OMIM 609308.
Walker-Warburg congenital muscular dystrophy. Also called: Muscular dystrophy-dystroglycanopathy, type A; Walker-Warburg syndrome. Identifiers: Orphanet 899, MedGen C0265221, MONDO:0000171.
Muscular dystrophy-dystroglycanopathy (congenital with impaired intellectual development), type B, 1. Also called: Muscular dystrophy-dystroglycanopathy (congenital with intellectual disability), type B1; MUSCULAR DYSTROPHY, CONGENITAL, POMT1-RELATED. Identifiers: MedGen C5436962, MONDO:0013159, OMIM 613155.

Allele frequency attached by ClinVar (database versions not stated): gnomAD exomes 0.00002; TOPMed below 0.00001; ExAC 0.00001.
gnomAD v4.1: 22 of 1,614,130 alleles (0.0014%); highest among the groups gnomAD compares: Non-Finnish European, 0.0019%; no homozygotes.

Submissions (2):

Revvity Omics, Revvity
Classification: Uncertain significance. Last evaluated: 2024-09-05. Review status: criteria provided, single submitter. Criteria: ACMG Guidelines, 2015. Collection method: clinical testing. Allele origin: germline.

Labcorp Genetics (formerly Invitae), Labcorp
Classification: Uncertain significance for Muscular dystrophy-dystroglycanopathy (congenital with impaired intellectual development), type B, 1; Walker-Warburg congenital muscular dystrophy; Autosomal recessive limb-girdle muscular dystrophy type 2K. Last evaluated: 2022-07-05. Review status: criteria provided, single submitter. Criteria: Invitae Variant Classification Sherloc (09022015). Collection method: clinical testing. Allele origin: germline.
Comment: This sequence change replaces tyrosine, which is neutral and polar, with cysteine, which is neutral and slightly polar, at codon 610 of the POMT1 protein (p.Tyr610Cys). This variant is present in population databases (rs772131719, gnomAD 0.003%). This variant has not been reported in the literature in individuals affected with POMT1-related conditions. ClinVar contains an entry for this variant (Variation ID: 538724). Algorithms developed to predict the effect of missense changes on protein structure and function are either unavailable or do not agree on the potential impact of this missense change (SIFT: "Deleterious"; PolyPhen-2: "Benign"; Align-GVGD: "Class C55"). In summary, the available evidence is currently insufficient to determine the role of this variant in disease. Therefore, it has been classified as a Variant of Uncertain Significance.